The following is an entry in ClinVar:

NM_001267550.2(TTN):c.80713G>A (p.Gly26905Ser)

Genes: TTN-AS1 (TTN antisense RNA 1; plus strand), TTN (titin; minus strand). Cytogenetic location: 2q31.2.
Variant type: single nucleotide variant.
Coding change: c.80713G>A on transcript NM_001267550.2 (MANE Select); coding-DNA position 80713, G replaced by A.
Protein change: p.Gly26905Ser; replaces glycine 26905 with serine.
Molecular consequence: missense variant.
Genome position (GRCh38, 1-based): chr2:178,565,419, C>T on the plus strand (G>A on the coding strand, the complement: TTN is on the minus strand). VCF-style: chr2-178565419-C-T. GRCh37 (hg19) VCF-style: chr2-179430146-C-T.
Other names: p.G25264S:GGC>AGC; c.75790G>A, p.Gly25264Ser (NM_001256850.1); c.53518G>A, p.Gly17840Ser (NM_003319.4); c.73009G>A, p.Gly24337Ser (NM_133378.4); c.53893G>A, p.Gly17965Ser (NM_133432.3); c.54094G>A, p.Gly18032Ser (NM_133437.4); short protein forms G25264S, G26905S, G17840S, G24337S, G18032S, G17965S.
Identifiers: ClinVar variation 202900 (VCV000202900.6), dbSNP rs772844758, ClinGen allele CA310632.

ClinVar aggregate classification (germline): Uncertain significance. Review status: criteria provided, single submitter (1 of 4 stars). 3 submissions from 3 submitters: Uncertain significance (1). 2 of the submissions do not count toward it. Last evaluated 2014-07-30.

Allele frequency attached by ClinVar (database versions not stated): gnomAD 0.00003 and 0.00001.
gnomAD v4.1: 5 of 1,613,266 alleles (0.00031%); highest among the groups gnomAD compares: Non-Finnish European, 0.00042%; no homozygotes.

Submissions (3):

GeneDx
Classification: Uncertain significance. Last evaluated: 2014-07-30. Review status: criteria provided, single submitter. Criteria: GeneDx Variant Classification (06012015). Collection method: clinical testing. Allele origin: germline. Affected: yes.
Comment: Missense variants in the TTN gene are considered 'unclassified' if they are not previously reported in the literature and do not have >1% frequency in the population to be considered a polymorphism. Research indicates that truncating mutations in the TTN gene are expected to account for approximately 25% of familial and 18% of sporadic idiopathic DCM; however, truncating variants in the TTN gene have been reported in approximately 3% of reported control alleles. There has been little investigation into non-truncating variants. (Herman D et al. Truncations of titin causing dilated cardiomyopathy. N Eng J Med 366:619-628, 2012) The variant is found in DCM-CRDM panel(s).

Clinical Genetics, Academic Medical Center
Classification: Uncertain significance. Review status: no assertion criteria provided. Collection method: clinical testing. Allele origin: germline. Affected: yes. Study: VKGL Data-share Consensus. Not counted in ClinVar's aggregate classification.

Joint Genome Diagnostic Labs from Nijmegen and Maastricht, Radboudumc and MUMC+
Classification: Uncertain significance. Review status: no assertion criteria provided. Collection method: clinical testing. Allele origin: germline. Affected: yes. Study: VKGL Data-share Consensus. Not counted in ClinVar's aggregate classification.